The following is an entry in ClinVar:

ClinVar aggregate classification (germline): Uncertain significance (1 of 4 stars; one submission).

Conditions:
Tall stature-scoliosis-macrodactyly of the great toes syndrome. Also called: Epiphyseal chondrodysplasia, miura type. Identifiers: Orphanet 329191, MedGen C4014690, MONDO:0014401, OMIM 615923.
Acromesomelic dysplasia 1, Maroteaux type (AMD1). Also called: ST. HELENA DYSPLASIA; ACROMESOMELIC DYSPLASIA 1. Identifiers: Orphanet 40, MedGen C1864356, MONDO:0011275, OMIM 602875.

Submission:

Labcorp Genetics (formerly Invitae), Labcorp
Classification: Uncertain significance for Tall stature-scoliosis-macrodactyly of the great toes syndrome; Acromesomelic dysplasia 1, Maroteaux type. Last evaluated: 2021-09-21. Review status: criteria provided, single submitter. Criteria: Invitae Variant Classification Sherloc (09022015). Collection method: clinical testing. Allele origin: germline.
Comment: In summary, the available evidence is currently insufficient to determine the role of this variant in disease. Therefore, it has been classified as a Variant of Uncertain Significance. Algorithms developed to predict the effect of missense changes on protein structure and function are either unavailable or do not agree on the potential impact of this missense change (SIFT: "Deleterious"; PolyPhen-2: "Benign"; Align-GVGD: "Class C55"). This variant has not been reported in the literature in individuals affected with NPR2-related conditions. This variant is not present in population databases (ExAC no frequency). This sequence change replaces alanine with valine at codon 408 of the NPR2 protein (p.Ala408Val). The alanine residue is highly conserved and there is a small physicochemical difference between alanine and valine.

NM_003995.4(NPR2):c.1223C>T (p.Ala408Val)

Gene: NPR2 (natriuretic peptide receptor 2; plus strand). Cytogenetic location: 9p13.3.
Variant type: single nucleotide variant.
Coding change: c.1223C>T on transcript NM_003995.4 (MANE Select); coding-DNA position 1223, C replaced by T.
Protein change: p.Ala408Val; replaces alanine 408 with valine.
Molecular consequence: missense variant.
Genome position (GRCh38, 1-based): chr9:35,800,713, C>T. VCF-style: chr9-35800713-C-T. GRCh37 (hg19) VCF-style: chr9-35800710-C-T.
Other names: c.1223C>T, p.Ala408Val (NM_001378923.1); short protein forms A408V.
Identifiers: ClinVar variation 1486654 (VCV001486654.6), dbSNP rs2132079334, ClinGen allele CA373370901.